The following is an entry in ClinVar:

NM_001256007.3(PNPLA8):c.1306C>G (p.Pro436Ala)

Gene: PNPLA8 (patatin like domain 8, phospholipase A2; minus strand). Cytogenetic location: 7q31.1.
Variant type: single nucleotide variant.
Coding change: c.1306C>G on transcript NM_001256007.3 (MANE Select); coding-DNA position 1306, C replaced by G.
Protein change: p.Pro436Ala; replaces proline 436 with alanine.
Molecular consequence: missense variant.
Genome position (GRCh38, 1-based): chr7:108,502,543, G>C on the plus strand (C>G on the coding strand, the complement: PNPLA8 is on the minus strand). VCF-style: chr7-108502543-G-C. GRCh37 (hg19) VCF-style: chr7-108142987-G-C.
Other names: c.1306C>G, p.Pro436Ala (NM_001256008.3, NM_001256009.3, NM_015723.5); c.1006C>G, p.Pro336Ala (NM_001256010.3, NM_001256011.3); short protein forms P336A, P436A.
Identifiers: ClinVar variation 2062640 (VCV002062640.1), dbSNP rs200358033, ClinGen allele CA4439635.
Genomic context (GRCh38, chr7:108,502,543, plus strand): 5'-AGCCTTACCTTGTTCCTCCACCATCAATTGAGAGAATTCGGATTCCTCTCCCTTTCACTG[G>C]ATCCACATAGCCAATTAGGGCCAAAATTTCTCTAACTGCAGCCTGAAGAGTTTCATCCTT-3'
Protein context (NP_001242936.1, residues 426-446): EILALIGYVD[Pro436Ala]VKGRGIRILS

ClinVar aggregate classification (germline): Uncertain significance (1 of 4 stars; one submission).

Allele frequency attached by ClinVar (database versions not stated): gnomAD exomes 0.00001; ExAC 0.00002; gnomAD 0.00010; TOPMed 0.00012; 1000 Genomes Project 30x 0.00016; 1000 Genomes Project 0.00020.
gnomAD v4.1: 30 of 1,611,748 alleles (0.0019%); highest among the groups gnomAD compares: African/African-American, 0.038%; no homozygotes.

Submission:

Labcorp Genetics (formerly Invitae), Labcorp
Classification: Uncertain significance. Last evaluated: 2022-08-05. Review status: criteria provided, single submitter. Criteria: Invitae Variant Classification Sherloc (09022015). Collection method: clinical testing. Allele origin: germline.
Comment: This sequence change replaces proline, which is neutral and non-polar, with alanine, which is neutral and non-polar, at codon 436 of the PNPLA8 protein (p.Pro436Ala). This variant is present in population databases (rs200358033, gnomAD 0.03%). This variant has not been reported in the literature in individuals affected with PNPLA8-related conditions. Algorithms developed to predict the effect of missense changes on protein structure and function are either unavailable or do not agree on the potential impact of this missense change (SIFT: "Tolerated"; PolyPhen-2: "Probably Damaging"; Align-GVGD: "Class C0"). In summary, the available evidence is currently insufficient to determine the role of this variant in disease. Therefore, it has been classified as a Variant of Uncertain Significance.